The following is an entry in ClinVar:

NM_001098.3(ACO2):c.2107G>A (p.Gly703Ser)

Genes: ACO2 (aconitase 2; plus strand), POLR3H (RNA polymerase III subunit H; minus strand). Cytogenetic location: 22q13.2.
Variant type: single nucleotide variant.
Coding change: c.2107G>A on transcript NM_001098.3 (MANE Select); coding-DNA position 2107, G replaced by A.
Protein change: p.Gly703Ser; replaces glycine 703 with serine.
Molecular consequence: missense variant. On other transcripts: 3 prime UTR variant (5).
Genome position (GRCh38, 1-based): chr22:41,527,921, G>A. VCF-style: chr22-41527921-G-A. GRCh37 (hg19) VCF-style: chr22-41923925-G-A.
Other names: c.*1362C>T (NM_001018050.4, NM_001018052.4, NM_001282884.2 and 2 more transcripts); short protein forms G703S.
Identifiers: ClinVar variation 1349932 (VCV001349932.6), dbSNP rs2146153634, ClinGen allele CA411729293.

ClinVar aggregate classification (germline): Uncertain significance (1 of 4 stars; one submission).

Submission:

Labcorp Genetics (formerly Invitae), Labcorp
Classification: Uncertain significance. Last evaluated: 2024-12-16. Review status: criteria provided, single submitter. Criteria: Invitae Variant Classification Sherloc (09022015). Collection method: clinical testing. Allele origin: germline.
Comment: This sequence change replaces glycine, which is neutral and non-polar, with serine, which is neutral and polar, at codon 703 of the ACO2 protein (p.Gly703Ser). This variant is not present in population databases (gnomAD no frequency). This variant has not been reported in the literature in individuals affected with ACO2-related conditions. ClinVar contains an entry for this variant (Variation ID: 1349932). Invitae Evidence Modeling of protein sequence and biophysical properties (such as structural, functional, and spatial information, amino acid conservation, physicochemical variation, residue mobility, and thermodynamic stability) indicates that this missense variant is expected to disrupt ACO2 protein function with a positive predictive value of 80%. In summary, the available evidence is currently insufficient to determine the role of this variant in disease. Therefore, it has been classified as a Variant of Uncertain Significance.